The following is an entry in ClinVar:

NM_021930.6(RINT1):c.1937G>C (p.Ser646Thr)

Genes: EFCAB10 (EF-hand calcium binding domain 10; minus strand), RINT1 (RAD50 interactor 1; plus strand). Cytogenetic location: 7q22.3.
Variant type: single nucleotide variant.
Coding change: c.1937G>C on transcript NM_021930.6 (MANE Select); coding-DNA position 1937, G replaced by C.
Protein change: p.Ser646Thr; replaces serine 646 with threonine.
Molecular consequence: missense variant. On other transcripts: 3 prime UTR variant (3), non-coding transcript variant (1).
Genome position (GRCh38, 1-based): chr7:105,565,327, G>C. VCF-style: chr7-105565327-G-C. GRCh37 (hg19) VCF-style: chr7-105205774-G-C.
Other names: c.*120C>G (NM_001355526.2); c.*222C>G (NM_001355530.2); c.*75C>G (NM_001355531.2); c.1703G>C, p.Ser568Thr (NM_001346599.2); c.914G>C, p.Ser305Thr (NM_001346600.2, NM_001346603.2); c.1013G>C, p.Ser338Thr (NM_001346601.2); short protein forms S305T, S338T, S568T, S646T.
Identifiers: ClinVar variation 1000715 (VCV001000715.8), dbSNP rs1396876913, ClinGen allele CA368814738.

ClinVar aggregate classification (germline): Uncertain significance (1 of 4 stars; one submission).

gnomAD v4.1: 1 of 1,614,204 alleles (0.000062%); highest among the groups gnomAD compares: Non-Finnish European, 0.000085%; no homozygotes.

Submission:

Labcorp Genetics (formerly Invitae), Labcorp
Classification: Uncertain significance. Last evaluated: 2018-05-16. Review status: criteria provided, single submitter. Criteria: Invitae Variant Classification Sherloc (09022015). Collection method: clinical testing. Allele origin: germline.
Comment: In summary, the available evidence is currently insufficient to determine the role of this variant in disease. Therefore, it has been classified as a Variant of Uncertain Significance. Algorithms developed to predict the effect of missense changes on protein structure and function (SIFT, PolyPhen-2, Align-GVGD) all suggest that this variant is likely to be tolerated, but these predictions have not been confirmed by published functional studies and their clinical significance is uncertain. This variant has not been reported in the literature in individuals with RINT1-related disease. This variant is not present in population databases (ExAC no frequency). This sequence change replaces serine with threonine at codon 646 of the RINT1 protein (p.Ser646Thr). The serine residue is highly conserved and there is a small physicochemical difference between serine and threonine.